The following is an entry in ClinVar:

NM_005633.4(SOS1):c.2010G>C (p.Leu670Phe)

Gene: SOS1 (SOS Ras/Rac guanine nucleotide exchange factor 1; minus strand). Cytogenetic location: 2p22.1.
Variant type: single nucleotide variant.
Coding change: c.2010G>C on transcript NM_005633.4 (MANE Select); coding-DNA position 2010, G replaced by C.
Protein change: p.Leu670Phe; replaces leucine 670 with phenylalanine.
Molecular consequence: missense variant.
Genome position (GRCh38, 1-based): chr2:39,013,920, C>G on the plus strand (G>C on the coding strand, the complement: SOS1 is on the minus strand). VCF-style: chr2-39013920-C-G. GRCh37 (hg19) VCF-style: chr2-39241061-C-G.
Other names: NM_005633.3(SOS1):c.2010G>C; c.1989G>C, p.Leu663Phe (NM_001382394.1); c.2010G>C, p.Leu670Phe (NM_001382395.1); short protein forms L670F, L663F.
Identifiers: ClinVar variation 448942 (VCV000448942.14), dbSNP rs200712930, ClinGen allele CA1624490.

ClinVar aggregate classification (germline): Benign. Review status: reviewed by expert panel (3 of 4 stars). 3 submissions from 3 submitters: Benign (1). 2 of the submissions do not count toward it. Last evaluated 2017-04-18.

Conditions:
SOS1-related disorder. Also called: SOS1-related condition.
RASopathy. Also called: rasopathies; Noonan spectrum disorder. Identifiers: Orphanet 536391, MedGen C5555857, MONDO:0021060.

Allele frequency attached by ClinVar (database versions not stated): gnomAD 0.00001; TOPMed 0.00003; ExAC 0.00007; gnomAD exomes 0.00008; 1000 Genomes Project 30x 0.00016; 1000 Genomes Project 0.00020.
gnomAD v4.1: 15 of 1,607,942 alleles (0.00093%); highest among the groups gnomAD compares: East Asian, 0.022%; no homozygotes.

Submissions (3):

ClinGen RASopathy Variant Curation Expert Panel
Classification: Benign for Noonan syndrome and Noonan-related syndrome. Last evaluated: 2017-04-18. Review status: reviewed by expert panel. Criteria: ClinGen RASopathy ACMG Specifications v1. Collection method: curation. Allele origin: germline. Inheritance: Autosomal dominant inheritance.
Comment: The filtering allele frequency of the c.2010G>C (p.Leu670Phe) variant in the SOS1 gene is 0.055% (9/8572) of East Asian chromosomes by the Exome Aggregation Consortium, which is a high enough frequency to be classified as benign based on thresholds defined by the ClinGen RASopathy Expert Panel (BA1; PMID:29493581)

PreventionGenetics, part of Exact Sciences
Classification: Likely benign for SOS1-related condition. Last evaluated: 2026-09-01. Review status: criteria provided, single submitter. Criteria: ACMG Guidelines, 2015. Collection method: clinical testing. Allele origin: germline. Not counted in ClinVar's aggregate classification.
Comment: This variant is classified as likely benign based on ACMG/AMP sequence variant interpretation guidelines (Richards et al. 2015 PMID: 25741868, with internal and published modifications).

Labcorp Genetics (formerly Invitae), Labcorp
Classification: Likely benign for RASopathy. Last evaluated: 2026-01-13. Review status: criteria provided, single submitter. Criteria: Invitae Variant Classification Sherloc (09022015). Collection method: clinical testing. Allele origin: germline. Not counted in ClinVar's aggregate classification.